The following is an entry in ClinVar:

ClinVar aggregate classification (germline): Uncertain significance. Review status: criteria provided, multiple submitters, no conflicts (2 of 4 stars). 2 submissions from 2 submitters: Uncertain significance (2). Last evaluated 2024-05-09.

Conditions:
Intellectual disability. Also called: Intellectual functioning disability; Intellectual developmental disorder; intellectual disabilities. Identifiers: MedGen C3714756, MeSH D008607, MONDO:0001071, HP:0001249.
Developmental and epileptic encephalopathy 92. Also called: EPILEPTIC ENCEPHALOPATHY, INFANTILE OR EARLY CHILDHOOD, 2. Identifiers: MedGen C4693362, MONDO:0020631, OMIM 617829.

Allele frequency attached by ClinVar (database versions not stated): TOPMed 0.00001; gnomAD exomes below 0.00001; ExAC 0.00001; gnomAD 0.00001.
gnomAD v4.1: 3 of 1,613,454 alleles (0.00019%); highest among the groups gnomAD compares: African/African-American, 0.0013%; no homozygotes.

Submissions (2):

Revvity Omics, Revvity
Classification: Uncertain significance for Developmental and epileptic encephalopathy 92. Last evaluated: 2024-05-09. Review status: criteria provided, single submitter. Criteria: ACMG Guidelines, 2015. Collection method: clinical testing. Allele origin: germline.

Labcorp Genetics (formerly Invitae), Labcorp
Classification: Uncertain significance for Intellectual disability. Last evaluated: 2023-09-06. Review status: criteria provided, single submitter. Criteria: Invitae Variant Classification Sherloc (09022015). Collection method: clinical testing. Allele origin: germline.
Comment: This sequence change creates a premature translational stop signal (p.Arg373*) in the GABRB2 gene. It is expected to result in an absent or disrupted protein product. However, the current clinical and genetic evidence is not sufficient to establish whether loss-of-function variants in GABRB2 cause disease. In summary, the available evidence is currently insufficient to determine the role of this variant in disease. Therefore, it has been classified as a Variant of Uncertain Significance. ClinVar contains an entry for this variant (Variation ID: 1395980). This variant has not been reported in the literature in individuals affected with GABRB2-related conditions. This variant is present in population databases (rs745319567, gnomAD 0.003%).

NM_001371727.1(GABRB2):c.1117C>T (p.Arg373Ter)

Gene: GABRB2 (gamma-aminobutyric acid type A receptor subunit beta2; minus strand). Cytogenetic location: 5q34.
Variant type: single nucleotide variant.
Coding change: c.1117C>T on transcript NM_001371727.1 (MANE Select); coding-DNA position 1117, C replaced by T.
Protein change: p.Arg373Ter; replaces arginine 373 with a stop codon.
Molecular consequence: nonsense. On other transcripts: intron variant (1).
Genome position (GRCh38, 1-based): chr5:161,326,442, G>A on the plus strand (C>T on the coding strand, the complement: GABRB2 is on the minus strand). VCF-style: chr5-161326442-G-A. GRCh37 (hg19) VCF-style: chr5-160753449-G-A.
Other names: c.1117C>T (NM_021911.2); c.1117C>T, p.Arg373Ter (NM_021911.3); c.1077+4441C>T (NM_000813.3); short protein forms R373*.
Identifiers: ClinVar variation 1395980 (VCV001395980.7), dbSNP rs745319567, ClinGen allele CA3543404.
Genomic context (GRCh38, chr5:161,326,442, plus strand): 5'-AATCGTAATTGGTAGTCCGTCTAGTTGGGGAGAGGTTTCCAGTAGGGTCCCACAAGGATC[G>A]ATATTGGGTCCCATTTTGTTTAATATCTTTATAAAAAATCTGGAAGACAAAGTAGAGAAT-3'